The following is an entry in ClinVar:

NM_000937.5(POLR2A):c.997G>A (p.Gly333Arg)

Gene: POLR2A (RNA polymerase II subunit A; plus strand). Cytogenetic location: 17p13.1.
Variant type: single nucleotide variant.
Coding change: c.997G>A on transcript NM_000937.5 (MANE Select); coding-DNA position 997, G replaced by A.
Protein change: p.Gly333Arg; replaces glycine 333 with arginine.
Molecular consequence: missense variant.
Genome position (GRCh38, 1-based): chr17:7,497,665, G>A. VCF-style: chr17-7497665-G-A. GRCh37 (hg19) VCF-style: chr17-7400984-G-A.
Other names: short protein forms G333R.
Identifiers: ClinVar variation 3251351 (VCV003251351.1), dbSNP rs2508112259.
Genomic context (GRCh38, chr17:7,497,665, plus strand): 5'-TGCTGACTTTCTGGATTGCCCCCACCCTGTGTTTTTTCCTCACAGGCCATGCAGAAGTCT[G>A]GGCGTCCCCTCAAGTCCCTGAAGCAGCGGTTGAAGGGCAAGGAAGGCCGGGTGCGAGGGA-3'
Protein context (NP_000928.1, residues 323-343): PGLPRAMQKS[Gly333Arg]RPLKSLKQRL

ClinVar aggregate classification (germline): Uncertain significance (1 of 4 stars; one submission).

Submission:

Women's Health and Genetics/Laboratory Corporation of America, LabCorp
Classification: Uncertain significance. Last evaluated: 2024-04-11. Review status: criteria provided, single submitter. Criteria: LabCorp Variant Classification Summary - May 2015. Collection method: clinical testing. Allele origin: germline.
Comment: Variant summary: POLR2A c.997G>A (p.Gly333Arg) results in a non-conservative amino acid change in the encoded protein sequence. Four of four in-silico tools predict a damaging effect of the variant on protein function. The variant was absent in 251238 control chromosomes. The available data on variant occurrences in the general population are insufficient to allow any conclusion about variant significance. To our knowledge, no occurrence of c.997G>A in individuals affected with Neurodevelopmental Disorder With Hypotonia And Variable Intellectual And Behavioral Abnormalities and no experimental evidence demonstrating its impact on protein function have been reported. No submitters have cited clinical-significance assessments for this variant to ClinVar. Based on the evidence outlined above, the variant was classified as uncertain significance.